The following is an entry in ClinVar:

NM_144773.4(PROKR2):c.819G>T (p.Thr273=)

Gene: PROKR2 (prokineticin receptor 2; minus strand). Cytogenetic location: 20p12.3.
Variant type: single nucleotide variant.
Coding change: c.819G>T on transcript NM_144773.4 (MANE Select); coding-DNA position 819, G replaced by T.
Protein change: p.Thr273=; no amino-acid change (threonine 273 retained).
Molecular consequence: synonymous variant.
Genome position (GRCh38, 1-based): chr20:5,302,376, C>A on the plus strand (G>T on the coding strand, the complement: PROKR2 is on the minus strand). VCF-style: chr20-5302376-C-A. GRCh37 (hg19) VCF-style: chr20-5283022-C-A.
Identifiers: ClinVar variation 2058853 (VCV002058853.28), dbSNP rs755527948, ClinGen allele CA9754269.

ClinVar aggregate classification (germline): Likely benign. Review status: criteria provided, multiple submitters, no conflicts (2 of 4 stars). 2 submissions from 2 submitters: Likely benign (2). Last evaluated 2026-05-01.

Allele frequency attached by ClinVar (database versions not stated): ExAC 0.00001.
gnomAD v4.1: 4 of 1,614,230 alleles (0.00025%); highest among the groups gnomAD compares: Non-Finnish European, 0.00025%; no homozygotes.

Submissions (2):

CeGaT Center for Human Genetics Tuebingen
Classification: Likely benign. Last evaluated: 2026-05-01. Review status: criteria provided, single submitter. Criteria: CeGaT Center For Human Genetics Tuebingen Variant Classification Criteria Version 2. Collection method: clinical testing. Allele origin: germline. Affected: yes. Observed: 1 variant allele.
Comment: PROKR2: BP4, BP7

Labcorp Genetics (formerly Invitae), Labcorp
Classification: Likely benign. Last evaluated: 2022-08-09. Review status: criteria provided, single submitter. Criteria: Invitae Variant Classification Sherloc (09022015). Collection method: clinical testing. Allele origin: germline.